The following is an entry in ClinVar:

ClinVar aggregate classification (germline): Benign/Likely benign. Review status: criteria provided, multiple submitters, no conflicts (2 of 4 stars). 9 submissions from 9 submitters: Benign (4); Likely benign (3). 2 of the submissions do not count toward it. Last evaluated 2024-07-01.

Allele frequency attached by ClinVar (database versions not stated): 1000 Genomes Project 0.00359; 1000 Genomes Project 30x 0.00422; TOPMed 0.00829; gnomAD exomes 0.00876; gnomAD 0.00894 and 0.00917; ExAC 0.00901; ESP Exome Variant Server 0.01000.
gnomAD v4.1: 20,042 of 1,613,230 alleles (1.2%); highest among the groups gnomAD compares: Non-Finnish European, 1.5%; 155 homozygotes.

Submissions (10):

CeGaT Center for Human Genetics Tuebingen
Classification: Benign. Last evaluated: 2024-07-01. Review status: criteria provided, single submitter. Criteria: CeGaT Center For Human Genetics Tuebingen Variant Classification Criteria Version 2. Collection method: clinical testing. Allele origin: germline. Affected: yes. Observed: 2 variant alleles.
Comment: ECEL1: BP4, BS1, BS2

GeneDx
Classification: Likely benign. Last evaluated: 2021-02-01. Review status: criteria provided, single submitter. Criteria: GeneDx Variant Classification Process June 2021. Collection method: clinical testing. Allele origin: germline. Affected: yes.

Labcorp Genetics (formerly Invitae), Labcorp
Classification: Benign. Last evaluated: 2019-12-31. Review status: criteria provided, single submitter. Criteria: Invitae Variant Classification Sherloc (09022015). Collection method: clinical testing. Allele origin: germline.

Genetic Services Laboratory, University of Chicago
Classification: Benign. Last evaluated: 2018-04-06. Review status: criteria provided, single submitter. Criteria: ACMG Guidelines, 2015. Collection method: clinical testing. Allele origin: germline. Affected: no.

Center for Pediatric Genomic Medicine, Children's Mercy Hospital and Clinics
Classification: Likely benign. Last evaluated: 2017-01-04. Review status: criteria provided, single submitter. Criteria: ACMG Guidelines, 2015. Collection method: clinical testing. Allele origin: germline.
ClinVar note: Converted during submission from Likely Benign to Likely benign.

Breakthrough Genomics
Classification: Likely benign. Review status: criteria provided, single submitter. Criteria: ACMG Guidelines, 2015. Collection method: not provided. Allele origin: germline. Inheritance: Autosomal recessive inheritance. Affected: yes.

PreventionGenetics, part of Exact Sciences
Classification: Benign. Review status: criteria provided, single submitter. Criteria: ACMG Guidelines, 2015. Collection method: clinical testing. Allele origin: germline.

Clinical Genetics, Academic Medical Center
Classification: Benign. Review status: no assertion criteria provided. Collection method: clinical testing. Allele origin: germline. Affected: yes. Study: VKGL Data-share Consensus. Not counted in ClinVar's aggregate classification.

Dr. Peter K. Rogan Lab, Western University
No classification provided (evidence only). Condition: Ovarian serous cystadenocarcinoma. Review status: no classification provided. Collection method: in vitro. Allele origin: not applicable. Functional consequence: retained intron. Not counted in ClinVar's aggregate classification.

Laboratory of Diagnostic Genome Analysis, Leiden University Medical Center (LUMC)
Classification: Likely benign. Review status: no assertion criteria provided. Collection method: clinical testing. Allele origin: germline. Affected: yes. Study: VKGL Data-share Consensus. Not counted in ClinVar's aggregate classification.

NM_004826.4(ECEL1):c.967-7C>G

Gene: ECEL1 (endothelin converting enzyme like 1; minus strand). Cytogenetic location: 2q37.1.
Variant type: single nucleotide variant.
Coding change: c.967-7C>G on transcript NM_004826.4 (MANE Select); 7 bases into the intron before coding-DNA position 967, C replaced by G.
Molecular consequence: intron variant.
Genome position (GRCh38, 1-based): chr2:232,484,900, G>C on the plus strand (C>G on the coding strand, the complement: ECEL1 is on the minus strand). VCF-style: chr2-232484900-G-C. GRCh37 (hg19) VCF-style: chr2-233349610-G-C.
Other names: NC_000002.11:g.233349610G>C; c.967-7C>G (NM_001290787.2).
Identifiers: ClinVar variation 128956 (VCV000128956.37), dbSNP rs76735188, ClinGen allele CA152682.